The following is an entry in ClinVar:

ClinVar aggregate classification (germline): Likely benign. Review status: criteria provided, multiple submitters, no conflicts (2 of 4 stars). 2 submissions from 2 submitters: Likely benign (2). Last evaluated 2025-12-01.

gnomAD v4.1: 4 of 1,613,806 alleles (0.00025%); highest among the groups gnomAD compares: Non-Finnish European, 0.00025%; no homozygotes.

Submissions (2):

CeGaT Center for Human Genetics Tuebingen
Classification: Likely benign. Last evaluated: 2025-12-01. Review status: criteria provided, single submitter. Criteria: CeGaT Center For Human Genetics Tuebingen Variant Classification Criteria Version 2. Collection method: clinical testing. Allele origin: germline. Affected: yes. Observed: 1 variant allele.
Comment: AP3B2: BP4, BP7

Labcorp Genetics (formerly Invitae), Labcorp
Classification: Likely benign. Last evaluated: 2025-01-25. Review status: criteria provided, single submitter. Criteria: Invitae Variant Classification Sherloc (09022015). Collection method: clinical testing. Allele origin: germline.

NM_001278512.2(AP3B2):c.2184C>T (p.Ser728=)

Genes: AP3B2 (adaptor related protein complex 3 subunit beta 2; minus strand), CPEB1-AS1 (CPEB1 antisense RNA 1; plus strand). Cytogenetic location: 15q25.2.
Variant type: single nucleotide variant.
Coding change: c.2184C>T on transcript NM_001278512.2 (MANE Select); coding-DNA position 2184, C replaced by T.
Protein change: p.Ser728=; no amino-acid change (serine 728 retained).
Molecular consequence: synonymous variant.
Genome position (GRCh38, 1-based): chr15:82,664,444, G>A on the plus strand (C>T on the coding strand, the complement: AP3B2 is on the minus strand). VCF-style: chr15-82664444-G-A. GRCh37 (hg19) VCF-style: chr15-83333196-G-A.
Other names: c.2031C>T, p.Ser677= (NM_001278511.2); c.2127C>T, p.Ser709= (NM_004644.5).
Identifiers: ClinVar variation 1541794 (VCV001541794.12), dbSNP rs750101148, ClinGen allele CA491784438.